The following is an entry in ClinVar:

ClinVar aggregate classification (germline): Pathogenic/Likely pathogenic. Review status: criteria provided, multiple submitters, no conflicts (2 of 4 stars). 14 submissions from 14 submitters: Pathogenic (3); Likely pathogenic (10). 1 of the submissions does not count toward it. Last evaluated 2026-05-18.

Conditions:
OCA2-related disorder. Also called: OCA2-related condition.
Oculocutaneous albinism. Identifiers: Orphanet 55, MedGen C0078918, MONDO:0018910.
SKIN/HAIR/EYE PIGMENTATION 1, BLUE/NONBLUE EYES (SHEP1). Also called: BROWN EYE COLOR 2; EYE COLOR 3; EYE COLOR, BLUE/NONBLUE; EYE COLOR, BROWN/BLUE; SKIN/HAIR/EYE PIGMENTATION 1, BLOND/BROWN HAIR; SKIN/HAIR/EYE PIGMENTATION 1, BLUE/BROWN EYES. Identifiers: MedGen C1856895, OMIM 227220.
Tyrosinase-positive oculocutaneous albinism (OCA2). Also called: Oculocutaneous albinism type 2; Albinism, oculocutaneous, type II; ALBINISM II. Identifiers: Orphanet 79432, MedGen C0268495, MONDO:0008746, OMIM 203200.

Allele frequency attached by ClinVar (database versions not stated): gnomAD 0.00005 and 0.00007; gnomAD exomes 0.00006 and 0.00009; TOPMed 0.00008; ExAC 0.00015.
gnomAD v4.1: 102 of 1,613,984 alleles (0.0063%); highest among the groups gnomAD compares: Non-Finnish European, 0.0067%; no homozygotes.

Submissions (14):

PreventionGenetics, part of Exact Sciences
Classification: Likely pathogenic for OCA2-related condition. Last evaluated: 2026-05-18. Review status: criteria provided, single submitter. Criteria: ACMG Guidelines, 2015. Collection method: clinical testing. Allele origin: germline.
Comment: The OCA2 c.2037G>C variant is predicted to result in the amino acid substitution p.Trp679Cys. This variant has been reported in the compound heterozygous state in individuals with oculocutaneous albinism (Passmore et al. 1999. PubMed ID: 10987646; Potjer et al. 2019. PubMed ID: 30414346; Supplemental Table, Holtan et al. 2019. PubMed ID: 31429209). This variant is present in 0.028% of alleles in individuals of European (Finnish) descent in gnomAD. This variant is interpreted as likely pathogenic.

Labcorp Genetics (formerly Invitae), Labcorp
Classification: Pathogenic. Last evaluated: 2025-01-27. Review status: criteria provided, single submitter. Criteria: Invitae Variant Classification Sherloc (09022015). Collection method: clinical testing. Allele origin: germline.
Comment: This sequence change replaces tryptophan, which is neutral and slightly polar, with cysteine, which is neutral and slightly polar, at codon 679 of the OCA2 protein (p.Trp679Cys). This variant is present in population databases (rs121918169, gnomAD 0.03%). This missense change has been observed in individual(s) with oculocutaneous albinism (PMID: 10987646, 12876664, 23504663). In at least one individual the data is consistent with being in trans (on the opposite chromosome) from a pathogenic variant. ClinVar contains an entry for this variant (Variation ID: 960). Invitae Evidence Modeling of protein sequence and biophysical properties (such as structural, functional, and spatial information, amino acid conservation, physicochemical variation, residue mobility, and thermodynamic stability) indicates that this missense variant is expected to disrupt OCA2 protein function with a positive predictive value of 80%. For these reasons, this variant has been classified as Pathogenic.

Laboratory of Genetic Epidemiology, Research Centre for Medical Genetics
Classification: Likely pathogenic for SKIN/HAIR/EYE PIGMENTATION 1, BLUE/NONBLUE EYES; Tyrosinase-positive oculocutaneous albinism. Last evaluated: 2025-01-01. Review status: criteria provided, single submitter. Criteria: ACMG Guidelines, 2015. Collection method: clinical testing. Allele origin: maternal. Inheritance: Autosomal recessive inheritance. Affected: yes. Observed: 1 compound heterozygote.
Comment: This variant has been previously reported in the literature (PMIDs: 10987646, 30414346) and is listed in gnomAD v3.1.2 with allele frequency 0.0001 in Europe (7/68026). The affected amino acid position is evolutionarily conserved, and multiple in silico prediction tools support a deleterious effect. The affected amino acid residue p.(Trp679Cys) located in cytoplasmic domain and may disrupts protein dynamics. Taken together, the variant meets the following ACMG/AMP criteria and can be classified as likely pathogenic with PM2, PP3, PM3, PP5, PP4 criteria.

GeneDx
Classification: Likely pathogenic. Last evaluated: 2024-06-25. Review status: criteria provided, single submitter. Criteria: GeneDx Variant Classification Process June 2021. Collection method: clinical testing. Allele origin: germline. Affected: yes.
Comment: In silico analysis supports that this missense variant has a deleterious effect on protein structure/function; This variant is associated with the following publications: (PMID: 23504663, 12876664, 10987646, 23824587, 30414346, 7874125, 33050356, 31429209)

Fulgent Genetics
Classification: Likely pathogenic for Tyrosinase-positive oculocutaneous albinism; SKIN/HAIR/EYE PIGMENTATION 1, BLUE/NONBLUE EYES. Last evaluated: 2024-06-20. Review status: criteria provided, single submitter. Criteria: ACMG Guidelines, 2015. Collection method: clinical testing. Allele origin: germline.

Blueprint Genetics
Classification: Pathogenic for OCA2-related disorders. Last evaluated: 2024-01-29. Review status: criteria provided, single submitter. Criteria: ACMG Guidelines, 2015. Collection method: clinical testing. Allele origin: germline. Affected: yes. Observed: 5 variant alleles.

Baylor Genetics
Classification: Likely pathogenic for SKIN/HAIR/EYE PIGMENTATION 1, BLUE/NONBLUE EYES. Last evaluated: 2023-07-20. Review status: criteria provided, single submitter. Criteria: ACMG Guidelines, 2015. Collection method: clinical testing. Allele origin: unknown.

Women's Health and Genetics/Laboratory Corporation of America, LabCorp
Classification: Likely pathogenic for Oculocutaneous albinism. Last evaluated: 2023-06-06. Review status: criteria provided, single submitter. Criteria: LabCorp Variant Classification Summary - May 2015. Collection method: clinical testing. Allele origin: germline.
Comment: Variant summary: OCA2 c.2037G>C (p.Trp679Cys) results in a non-conservative amino acid change located in the Citrate transporter-like domain (IPR004680) of the encoded protein sequence. Five of five in-silico tools predict a damaging effect of the variant on protein function. The variant allele was found at a frequency of 9.2e-05 in 251266 control chromosomes (gnomAD). This frequency is not higher than the estimated maximum expected for a pathogenic variant in OCA2 causing Oculocutaneous Albinism (0.0043), allowing no conclusion about variant significance. The variant, c.2037G>C, has been reported in the literature in multiple compound heterozygous individuals affected with Oculocutaneous Albinism (e.g. King_2003, Passmore_1999, Simeonov_2013, Kessel_2021). These data indicate that the variant is likely to be associated with disease. In addition, this variant was also reported in heterozygous individuals affected with melanoma (e.g. Potjer_2019, Stolarova_2020) and retinal disease (Holtan_2020), however the significance of these findings is unclear. To our knowledge, no experimental evidence demonstrating an impact on protein function has been reported. The following publications have been ascertained in the context of this evaluation (PMID: 12876664, 10987646, 23504663, 30414346, 31429209, 33050356, 33612058). Eight submitters have provided clinical-significance assessments for this variant in ClinVar after 2014, and classified the variant as pathogenic (n=2) / likely pathogenic (n=5) or VUS (n=1). Based on the evidence outlined above, the variant was classified as likely pathogenic.

MGZ Medical Genetics Center
Classification: Likely pathogenic for Tyrosinase-positive oculocutaneous albinism. Last evaluated: 2022-06-02. Review status: criteria provided, single submitter. Criteria: ACMG Guidelines, 2015. Collection method: clinical testing. Allele origin: germline. Affected: yes. Observed: 3 variant alleles.
Comment: ACMG criteria applied: PS4_MOD, PM3, PM5, PM2_SUP, PP3

Genome-Nilou Lab
Classification: Likely pathogenic for Tyrosinase-positive oculocutaneous albinism. Last evaluated: 2021-11-07. Review status: criteria provided, single submitter. Criteria: ACMG Guidelines, 2015. Collection method: clinical testing. Allele origin: germline. Affected: no.

Illumina Laboratory Services, Illumina
Classification: Likely pathogenic for Tyrosinase-positive oculocutaneous albinism. Last evaluated: 2020-03-02. Review status: criteria provided, single submitter. Criteria: ICSLVariantClassificationCriteria RUGD 01 April 2020. Collection method: clinical testing. Allele origin: unknown.
Comment: The OCA2 c.2037G>C (p.Trp679Cys) variant is a missense variant that has been reported in a compound heterozygous state with a second variant in trans in at least three unrelated individuals diagnosed with oculocutaneous albinism type 2 (Passmore et al. 1999; King et al. 2003; Simeonov et al. 2013). The variant, along with a second variant in the OCA2 gene, was also reported in an individual with a personal and family history of melanoma but no reported signs of oculocutaneous albinism; the phase of the two variants is unknown (Potjer et al. 2019). Another variant at the same amino acid residue, p.Tyr679Arg, was identified in a hemizygous state with a deletion of chromosome 15q in an individual diagnosed with oculocutaneous albinism type 2 and Prader-Willi syndrome (Lee et al. 1994). The p.Tyr679Cys variant is reported at a frequency of 0.000277 in the European (Finnish) population of the Genome Aggregation Consortium. Multiple in silico analyses predict that this variant is deleterious. Based on the available evidence and the application of ACMG criteria, the p.Tyr679Cys variant is classified as likely pathogenic for oculocutaneous albinism type 2.

Genetic Services Laboratory, University of Chicago
Classification: Likely pathogenic. Last evaluated: 2017-09-06. Review status: criteria provided, single submitter. Criteria: ACMG Guidelines, 2015. Collection method: clinical testing. Allele origin: germline. Affected: yes.

CeGaT Center for Human Genetics Tuebingen
Classification: Pathogenic. Last evaluated: 2016-08-01. Review status: criteria provided, single submitter. Criteria: CeGaT Center For Human Genetics Tuebingen Variant Classification Criteria Version 2. Collection method: clinical testing. Allele origin: germline. Affected: yes. Observed: 1 variant allele.

OMIM
Classification: Pathogenic for ALBINISM, OCULOCUTANEOUS, TYPE II. Last evaluated: 2003-09-01. Review status: no assertion criteria provided. Collection method: literature only. Allele origin: germline. Not counted in ClinVar's aggregate classification.

Literature cited by the submitters: PubMed 10987646 (cited by 4 submitters); PubMed 12876664 (cited by 4 submitters); PubMed 23504663 (cited by 3 submitters); PubMed 30414346 (cited by 3 submitters); PubMed 41428507 (cited by Laboratory of Genetic Epidemiology, Research Centre for Medical Genetics); PubMed 31429209 (cited by Women's Health and Genetics/Laboratory Corporation of America, LabCorp); PubMed 33050356 (cited by Women's Health and Genetics/Laboratory Corporation of America, LabCorp); PubMed 33612058 (cited by Women's Health and Genetics/Laboratory Corporation of America, LabCorp); PubMed 7874125 (cited by Illumina Laboratory Services, Illumina).

NM_000275.3(OCA2):c.2037G>C (p.Trp679Cys)

Gene: OCA2 (OCA2 melanosomal transmembrane protein; minus strand). Cytogenetic location: 15q13.1.
Variant type: single nucleotide variant.
Coding change: c.2037G>C on transcript NM_000275.3 (MANE Select); coding-DNA position 2037, G replaced by C.
Protein change: p.Trp679Cys; replaces tryptophan 679 with cysteine.
Molecular consequence: missense variant.
Genome position (GRCh38, 1-based): chr15:27,926,169, C>G on the plus strand (G>C on the coding strand, the complement: OCA2 is on the minus strand). VCF-style: chr15-27926169-C-G. GRCh37 (hg19) VCF-style: chr15-28171315-C-G.
Other names: c.1965G>C, p.Trp655Cys (NM_001300984.2); short protein forms W679C, W655C.
Identifiers: ClinVar variation 960 (VCV000000960.67), dbSNP rs121918169, ClinGen allele CA251639.
Genomic context (GRCh38, chr15:27,926,169, plus strand): 5'-AAAGTTCTAAAATCTTACCTCCATCAGAACAAAGAGCGCTGCAAAAAACAGAAGGGTTGC[C>G]CATTCCACTCTGTGTAGAATTATCTCAAAATCATGAATATCAGCTAAAATTAGCAACCAG-3'
Protein context (NP_000266.2, residues 669-689): DFEIILHRVE[Trp679Cys]ATLLFFAALF